The following is an entry in ClinVar:

NM_000046.5(ARSB):c.1292C>A (p.Ala431Asp)

Gene: ARSB (arylsulfatase B; minus strand). Cytogenetic location: 5q14.1.
Variant type: single nucleotide variant.
Coding change: c.1292C>A on transcript NM_000046.5 (MANE Select); coding-DNA position 1292, C replaced by A.
Protein change: p.Ala431Asp; replaces alanine 431 with aspartic acid.
Molecular consequence: missense variant.
Genome position (GRCh38, 1-based): chr5:78,781,896, G>T on the plus strand (C>A on the coding strand, the complement: ARSB is on the minus strand). VCF-style: chr5-78781896-G-T. GRCh37 (hg19) VCF-style: chr5-78077719-G-T.
Other names: short protein forms A431D.
Identifiers: ClinVar variation 1038108 (VCV001038108.10), dbSNP rs1748937951, ClinGen allele CA360339964.

ClinVar aggregate classification (germline): Uncertain significance. Review status: criteria provided, single submitter (1 of 4 stars). 2 submissions from 2 submitters: Uncertain significance (1). 1 of the submissions does not count toward it. Last evaluated 2021-08-28.

Conditions:
Mucopolysaccharidosis type 6 (MPS6). Also called: MPS VI; N-ACETYLGALACTOSAMINE-4-SULFATASE DEFICIENCY; ARSB DEFICIENCY; ARYLSULFATASE B DEFICIENCY; MPS 6; Maroteaux Lamy syndrome. Identifiers: Orphanet 583, MedGen C0026709, MONDO:0009661, OMIM 253200.

Submissions (2):

Labcorp Genetics (formerly Invitae), Labcorp
Classification: Uncertain significance for Mucopolysaccharidosis type 6. Last evaluated: 2021-08-28. Review status: criteria provided, single submitter. Criteria: Invitae Variant Classification Sherloc (09022015). Collection method: clinical testing. Allele origin: germline.
Comment: This sequence change replaces alanine with aspartic acid at codon 431 of the ARSB protein (p.Ala431Asp). The alanine residue is moderately conserved and there is a moderate physicochemical difference between alanine and aspartic acid. This variant is not present in population databases (ExAC no frequency). This variant has not been reported in the literature in individuals affected with ARSB-related conditions. Algorithms developed to predict the effect of missense changes on protein structure and function are either unavailable or do not agree on the potential impact of this missense change (SIFT: "Deleterious"; PolyPhen-2: "Probably Damaging"; Align-GVGD: "Class C0"). In summary, the available evidence is currently insufficient to determine the role of this variant in disease. Therefore, it has been classified as a Variant of Uncertain Significance.

Natera, Inc.
Classification: Uncertain significance for Mucopolysaccharidosis type VI. Last evaluated: 2020-01-17. Review status: no assertion criteria provided. Collection method: clinical testing. Allele origin: germline. Not counted in ClinVar's aggregate classification.